The following is an entry in ClinVar:

ClinVar aggregate classification (germline): Uncertain significance. Review status: criteria provided, multiple submitters, no conflicts (2 of 4 stars). 3 submissions from 3 submitters: Uncertain significance (2). 1 of the submissions does not count toward it. Last evaluated 2024-06-27.

Conditions:
Cystic fibrosis (CF). Also called: MUCOVISCIDOSIS. Identifiers: Orphanet 586, MedGen C0010674, MONDO:0009061, OMIM 219700. Disease mechanism: loss of function.
CFTR-related disorder (CFTR-RD). Also called: CFTR-related disorders; CFTR-related condition. Identifiers: MedGen C5924204, MONDO:7770004.

Allele frequency attached by ClinVar (database versions not stated): gnomAD 0.00001; 1000 Genomes Project 0.00020; gnomAD exomes below 0.00001; ExAC 0.00001; 1000 Genomes Project 30x 0.00016.
gnomAD v4.1: 3 of 1,612,440 alleles (0.00019%); highest among the groups gnomAD compares: Non-Finnish European, 0.00025%; no homozygotes.

Submissions (3):

Ambry Genetics
Classification: Uncertain significance for Cystic fibrosis. Last evaluated: 2024-06-27. Review status: criteria provided, single submitter. Criteria: Ambry Variant Classification Scheme 2023. Collection method: clinical testing. Allele origin: germline.
Comment: The p.G406E variant (also known as c.1217G>A), located in coding exon 10 of the CFTR gene, results from a G to A substitution at nucleotide position 1217. The glycine at codon 406 is replaced by glutamic acid, an amino acid with similar properties. This amino acid position is highly conserved in available vertebrate species. In addition, the in silico prediction for this alteration is inconclusive. Based on the available evidence, the clinical significance of this variant remains unclear.

Labcorp Genetics (formerly Invitae), Labcorp
Classification: Uncertain significance for Cystic fibrosis. Last evaluated: 2021-08-30. Review status: criteria provided, single submitter. Criteria: Invitae Variant Classification Sherloc (09022015). Collection method: clinical testing. Allele origin: germline.
Comment: This sequence change replaces glycine with glutamic acid at codon 406 of the CFTR protein (p.Gly406Glu). The glycine residue is moderately conserved and there is a moderate physicochemical difference between glycine and glutamic acid. This variant is present in population databases (rs559197407, ExAC 0.002%). This variant has not been reported in the literature in individuals affected with CFTR-related conditions. Algorithms developed to predict the effect of missense changes on protein structure and function (SIFT, PolyPhen-2, Align-GVGD) all suggest that this variant is likely to be tolerated. In summary, the available evidence is currently insufficient to determine the role of this variant in disease. Therefore, it has been classified as a Variant of Uncertain Significance.

Natera, Inc.
Classification: Uncertain significance for CFTR-related disorders. Last evaluated: 2020-07-11. Review status: no assertion criteria provided. Collection method: clinical testing. Allele origin: germline. Not counted in ClinVar's aggregate classification.

NM_000492.4(CFTR):c.1217G>A (p.Gly406Glu)

Genes: CFTR (CF transmembrane conductance regulator; plus strand), CFTR-AS1 (CFTR antisense RNA 1; minus strand). Cytogenetic location: 7q31.2.
Variant type: single nucleotide variant.
Coding change: c.1217G>A on transcript NM_000492.4 (MANE Select); coding-DNA position 1217, G replaced by A.
Protein change: p.Gly406Glu; replaces glycine 406 with glutamic acid.
Molecular consequence: missense variant.
Genome position (GRCh38, 1-based): chr7:117,548,648, G>A. VCF-style: chr7-117548648-G-A. GRCh37 (hg19) VCF-style: chr7-117188702-G-A.
Other names: short protein forms G406E.
Identifiers: ClinVar variation 569152 (VCV000569152.8), dbSNP rs559197407, ClinGen allele CA4450955.